The following is an entry in ClinVar:

NM_052844.4(DYNC2I2):c.52G>A (p.Val18Ile)

Gene: DYNC2I2 (dynein 2 intermediate chain 2; minus strand). Cytogenetic location: 9q34.11.
Variant type: single nucleotide variant.
Coding change: c.52G>A on transcript NM_052844.4 (MANE Select); coding-DNA position 52, G replaced by A.
Protein change: p.Val18Ile; replaces valine 18 with isoleucine.
Molecular consequence: missense variant.
Genome position (GRCh38, 1-based): chr9:128,656,675, C>T on the plus strand (G>A on the coding strand, the complement: DYNC2I2 is on the minus strand). VCF-style: chr9-128656675-C-T. GRCh37 (hg19) VCF-style: chr9-131418954-C-T.
Other names: short protein forms V18I.
Identifiers: ClinVar variation 2005880 (VCV002005880.2), dbSNP rs1212708104, ClinGen allele CA375051637.

ClinVar aggregate classification (germline): Uncertain significance (1 of 4 stars; one submission).

Conditions:
Short-rib thoracic dysplasia 11 with or without polydactyly (SRTD11). Also called: SHORT-RIB THORACIC DYSPLASIA 11 WITHOUT POLYDACTYLY. Identifiers: Orphanet 474, Orphanet 93271, MedGen C3810200, MONDO:0014287, OMIM 615633.

Submission:

Labcorp Genetics (formerly Invitae), Labcorp
Classification: Uncertain significance for Short-rib thoracic dysplasia 11 with or without polydactyly. Last evaluated: 2022-06-15. Review status: criteria provided, single submitter. Criteria: Invitae Variant Classification Sherloc (09022015). Collection method: clinical testing. Allele origin: germline.
Comment: In summary, the available evidence is currently insufficient to determine the role of this variant in disease. Therefore, it has been classified as a Variant of Uncertain Significance. Algorithms developed to predict the effect of sequence changes on RNA splicing suggest that this variant may create or strengthen a splice site. Algorithms developed to predict the effect of missense changes on protein structure and function (SIFT, PolyPhen-2, Align-GVGD) all suggest that this variant is likely to be tolerated. This variant has not been reported in the literature in individuals affected with WDR34-related conditions. This variant is not present in population databases (gnomAD no frequency). This sequence change replaces valine, which is neutral and non-polar, with isoleucine, which is neutral and non-polar, at codon 18 of the WDR34 protein (p.Val18Ile).